The following is an entry in ClinVar:

NM_002968.3(SALL1):c.703G>A (p.Ala235Thr)

Gene: SALL1 (spalt like transcription factor 1; minus strand). Cytogenetic location: 16q12.1.
Variant type: single nucleotide variant.
Coding change: c.703G>A on transcript NM_002968.3 (MANE Select); coding-DNA position 703, G replaced by A.
Protein change: p.Ala235Thr; replaces alanine 235 with threonine.
Molecular consequence: missense variant.
Genome position (GRCh38, 1-based): chr16:51,141,519, C>T on the plus strand (G>A on the coding strand, the complement: SALL1 is on the minus strand). VCF-style: chr16-51141519-C-T. GRCh37 (hg19) VCF-style: chr16-51175430-C-T.
Other names: c.412G>A, p.Ala138Thr (NM_001127892.2); short protein forms A235T, A138T.
Identifiers: ClinVar variation 771794 (VCV000771794.21), dbSNP rs761053549, ClinGen allele CA8053405.
Genomic context (GRCh38, chr16:51,141,519, plus strand): 5'-ATATTTGGTGACGAATCTGTTCGATCAATTGCAGCTGGTGGATCTGCTGCTGCTGCAGAG[C>T]TAGGAGTTGTTCCATGAGGGCTGGGACGGCCAGCTTGCCCCCAGAGGCCCCGCCGCACCT-3'
Protein context (NP_002959.2, residues 225-245): AVPALMEQLL[Ala235Thr]LQQQQIHQLQ

ClinVar aggregate classification (germline): Conflicting classifications of pathogenicity. Review status: criteria provided, conflicting classifications (1 of 4 stars). 4 submissions from 4 submitters: Uncertain significance (2); Likely benign (1). 1 of the submissions does not count toward it. Last evaluated 2024-10-01.

Conditions:
Congenital anomaly of kidney and urinary tract. Also called: Congenital anomalies of the kidney and urinary tract; Congenital anomalies of kidney and urinary tract. Identifiers: Orphanet 93545, MedGen C1968949, MeSH C566906, MONDO:0019719.
Townes syndrome (TBS). Also called: Townes-Brocks syndrome. Identifiers: Orphanet 857, MedGen C0265246, MeSH C536974, MONDO:0007142.
Townes-Brocks syndrome 1 (TBS1). Also called: REAR SYNDROME; RENAL-EAR-ANAL-RADIAL SYNDROME; DEAFNESS, SENSORINEURAL, WITH IMPERFORATE ANUS AND THUMB ANOMALIES; SALL1-Related Townes-Brocks Syndrome. Identifiers: Orphanet 857, MedGen C4551481, MONDO:0054581, OMIM 107480.

Allele frequency attached by ClinVar (database versions not stated): ExAC 0.00001; gnomAD exomes 0.00001; TOPMed 0.00002; gnomAD 0.00003.
gnomAD v4.1: 25 of 1,613,862 alleles (0.0015%); highest among the groups gnomAD compares: Non-Finnish European, 0.0021%; no homozygotes.

Submissions (4):

CeGaT Center for Human Genetics Tuebingen
Classification: Uncertain significance. Last evaluated: 2024-10-01. Review status: criteria provided, single submitter. Criteria: CeGaT Center For Human Genetics Tuebingen Variant Classification Criteria Version 2. Collection method: clinical testing. Allele origin: germline. Affected: yes. Observed: 1 variant allele.

Labcorp Genetics (formerly Invitae), Labcorp
Classification: Likely benign for Townes syndrome. Last evaluated: 2024-07-31. Review status: criteria provided, single submitter. Criteria: Invitae Variant Classification Sherloc (09022015). Collection method: clinical testing. Allele origin: germline.

Broad Center for Mendelian Genomics, Broad Institute of MIT and Harvard
Classification: Uncertain significance for Townes-Brocks syndrome 1. Last evaluated: 2020-05-28. Review status: criteria provided, single submitter. Criteria: ACMG Guidelines, 2015. Collection method: research. Allele origin: germline. Inheritance: Autosomal dominant inheritance.
Comment: Clinical variability in Townes-Brocks syndrome has been previously described (PMID: 20520617). So, although this variant has been seen in the general population, its frequency is not high enough to rule out a pathogenic role. Computational prediction tools and conservation analyses suggest that this variant may impact the protein, though this information is not predictive enough to determine pathogenicity. In summary, the clinical significance of the p.Ala235Thr variant is uncertain. ACMG/AMP Criteria applied: PP3 (Richards 2015).

Yale Center for Mendelian Genomics, Yale University
Classification: Likely pathogenic for Congenital anomaly of kidney and urinary tract. Last evaluated: 2018-08-24. Review status: no assertion criteria provided. Collection method: literature only. Allele origin: germline. Affected: yes. Observed: 1 heterozygote. Study: Yale Center for Mendelian Genomics. Not counted in ClinVar's aggregate classification.

Literature cited by the submitters: PubMed 30143558 (cited by Yale Center for Mendelian Genomics, Yale University).